The following is an entry in ClinVar:

ClinVar aggregate classification (germline): Conflicting classifications of pathogenicity. Review status: criteria provided, conflicting classifications (1 of 4 stars). 2 submissions from 2 submitters: Uncertain significance (1); Likely benign (1). Last evaluated 2025-11-12.

Conditions:
SEMA3A-related disorder. Also called: SEMA3A-related condition.

gnomAD v4.1: 19 of 1,613,374 alleles (0.0012%); highest among the groups gnomAD compares: Middle Eastern, 0.016%; no homozygotes.

Submissions (2):

PreventionGenetics, part of Exact Sciences
Classification: Likely benign for SEMA3A-related condition. Last evaluated: 2025-11-12. Review status: criteria provided, single submitter. Criteria: ACMG Guidelines, 2015. Collection method: clinical testing. Allele origin: germline.
Comment: This variant is classified as likely benign based on ACMG/AMP sequence variant interpretation guidelines (Richards et al. 2015 PMID: 25741868, with internal and published modifications).

Labcorp Genetics (formerly Invitae), Labcorp
Classification: Uncertain significance. Last evaluated: 2025-10-13. Review status: criteria provided, single submitter. Criteria: Invitae Variant Classification Sherloc (09022015). Collection method: clinical testing. Allele origin: germline.
Comment: This sequence change falls in intron 4 of the SEMA3A gene. It does not directly change the encoded amino acid sequence of the SEMA3A protein. It affects a nucleotide within the consensus splice site. This variant is present in population databases (rs777292626, gnomAD 0.007%). This variant has not been reported in the literature in individuals affected with SEMA3A-related conditions. ClinVar contains an entry for this variant (Variation ID: 3699050). Variants that disrupt the consensus splice site are a relatively common cause of aberrant splicing (PMID: 17576681, 9536098). Algorithms developed to predict the effect of sequence changes on RNA splicing suggest that this variant is not likely to affect RNA splicing. In summary, the available evidence is currently insufficient to determine the role of this variant in disease. Therefore, it has been classified as a Variant of Uncertain Significance.

Literature cited by the submitters: PubMed 17576681 (cited by Labcorp Genetics (formerly Invitae), Labcorp); PubMed 9536098 (cited by Labcorp Genetics (formerly Invitae), Labcorp).

NM_006080.3(SEMA3A):c.453+5C>T

Gene: SEMA3A (semaphorin 3A; minus strand). Cytogenetic location: 7q21.11.
Variant type: single nucleotide variant.
Coding change: c.453+5C>T on transcript NM_006080.3 (MANE Select); 5 bases into the intron after coding-DNA position 453, C replaced by T.
Molecular consequence: intron variant.
Genome position (GRCh38, 1-based): chr7:84,110,465, G>A on the plus strand (C>T on the coding strand, the complement: SEMA3A is on the minus strand). VCF-style: chr7-84110465-G-A. GRCh37 (hg19) VCF-style: chr7-83739781-G-A.
Other names: c.453+5C>T (NM_006080.2).
Identifiers: ClinVar variation 3699050 (VCV003699050.3).
Genomic context (GRCh38, chr7:84,110,465, plus strand): 5'-GTAATGAAGCATTTTGAATAGAAAGGGGTCATGGACAAATATAATTTTTAAAAAGCCAGC[G>A]TTACCTCAGGATGATGTCCAATTTCAATGTAGGTGCAAATTGGATGAAAAGCCCCCGTTC-3'